The following is an entry in ClinVar:

ClinVar aggregate classification (germline): Benign/Likely benign. Review status: criteria provided, multiple submitters, no conflicts (2 of 4 stars). 3 submissions from 3 submitters: Benign (1); Likely benign (2). Last evaluated 2026-01-19.

Allele frequency attached by ClinVar (database versions not stated): gnomAD 0.00003 and 0.00008; TOPMed 0.00008; gnomAD exomes 0.00019 and 0.00038; ExAC 0.00040; 1000 Genomes Project 30x 0.00078; 1000 Genomes Project 0.00080.
gnomAD v4.1: 297 of 1,613,602 alleles (0.018%); highest among the groups gnomAD compares: South Asian, 0.21%; 5 homozygotes.

Submissions (3):

Labcorp Genetics (formerly Invitae), Labcorp
Classification: Benign. Last evaluated: 2026-01-19. Review status: criteria provided, single submitter. Criteria: Invitae Variant Classification Sherloc (09022015). Collection method: clinical testing. Allele origin: germline.

CeGaT Center for Human Genetics Tuebingen
Classification: Likely benign. Last evaluated: 2025-02-01. Review status: criteria provided, single submitter. Criteria: CeGaT Center For Human Genetics Tuebingen Variant Classification Criteria Version 2. Collection method: clinical testing. Allele origin: germline. Affected: yes. Observed: 6 variant alleles.
Comment: DOCK6: BP4, BP7

Blueprint Genetics
Classification: Likely benign. Last evaluated: 2024-09-24. Review status: criteria provided, single submitter. Criteria: ACMG Guidelines, 2015. Collection method: clinical testing. Allele origin: germline.

NM_020812.4(DOCK6):c.258G>T (p.Leu86=)

Gene: DOCK6 (dedicator of cytokinesis 6; minus strand). Cytogenetic location: 19p13.2.
Variant type: single nucleotide variant.
Coding change: c.258G>T on transcript NM_020812.4 (MANE Select); coding-DNA position 258, G replaced by T.
Protein change: p.Leu86=; no amino-acid change (leucine 86 retained).
Molecular consequence: synonymous variant.
Genome position (GRCh38, 1-based): chr19:11,252,833, C>A on the plus strand (G>T on the coding strand, the complement: DOCK6 is on the minus strand). VCF-style: chr19-11252833-C-A. GRCh37 (hg19) VCF-style: chr19-11363509-C-A.
Other names: c.258G>T, p.Leu86= (NM_001367830.1).
Identifiers: ClinVar variation 1591916 (VCV001591916.33), dbSNP rs563605363, ClinGen allele CA9208585.
Genomic context (GRCh38, chr19:11,252,833, plus strand): 5'-CTGAACCCACTCATCCTTGGGGATCCCGGGCTCCGTGGTCCGGCATTCCCGGGGCTGCAG[C>A]AGCAGCTCCAAGTCATCAGCTGGGAATTCTACCAGGTCCCTGAGGGGCCCGGGCTCAGCA-3'
Protein context (NP_065863.2, residues 76-96): VEFPADDLEL[Leu86=]LQPRECRTTE